The following is an entry in ClinVar:

NM_000660.7(TGFB1):c.38T>A (p.Leu13Gln)

Gene: TGFB1 (transforming growth factor beta 1; minus strand). Cytogenetic location: 19q13.2.
Variant type: single nucleotide variant.
Coding change: c.38T>A on transcript NM_000660.7 (MANE Select); coding-DNA position 38, T replaced by A.
Protein change: p.Leu13Gln; replaces leucine 13 with glutamine.
Molecular consequence: missense variant.
Genome position (GRCh38, 1-based): chr19:41,353,007, A>T on the plus strand (T>A on the coding strand, the complement: TGFB1 is on the minus strand). VCF-style: chr19-41353007-A-T. GRCh37 (hg19) VCF-style: chr19-41858912-A-T.
Other names: short protein forms L13Q.
Identifiers: ClinVar variation 3692507 (VCV003692507.2).

ClinVar aggregate classification (germline): Uncertain significance (1 of 4 stars; one submission).

gnomAD v4.1: 4 of 1,533,918 alleles (0.00026%); highest among the groups gnomAD compares: Non-Finnish European, 0.00035%; no homozygotes.

Submission:

Labcorp Genetics (formerly Invitae), Labcorp
Classification: Uncertain significance. Last evaluated: 2025-01-15. Review status: criteria provided, single submitter. Criteria: Invitae Variant Classification Sherloc (09022015). Collection method: clinical testing. Allele origin: germline.
Comment: This sequence change replaces leucine, which is neutral and non-polar, with glutamine, which is neutral and polar, at codon 13 of the TGFB1 protein (p.Leu13Gln). This variant is not present in population databases (gnomAD no frequency). This variant has not been reported in the literature in individuals affected with TGFB1-related conditions. Experimental studies and prediction algorithms are not available or were not evaluated, and the functional significance of this variant is currently unknown. In summary, the available evidence is currently insufficient to determine the role of this variant in disease. Therefore, it has been classified as a Variant of Uncertain Significance.